The following is an entry in ClinVar:

ClinVar aggregate classification (germline): Likely pathogenic (1 of 4 stars; one submission).

Submission:

GeneDx
Classification: Likely pathogenic. Last evaluated: 2022-12-11. Review status: criteria provided, single submitter. Criteria: GeneDx Variant Classification Process June 2021. Collection method: clinical testing. Allele origin: germline. Affected: yes.
Comment: Canonical splice site variant expected to result in aberrant splicing, although in the absence of functional evidence the actual effect of this sequence change is unknown; Not observed in large population cohorts (gnomAD); Has not been previously published as pathogenic or benign to our knowledge

NM_004586.3(RPS6KA3):c.126+1_126+2del

Gene: RPS6KA3 (ribosomal protein S6 kinase A3; minus strand). Cytogenetic location: Xp22.12.
Variant type: Deletion.
Coding change: c.126+1_126+2del on transcript NM_004586.3 (MANE Select); the canonical splice donor site of the intron after coding-DNA position 126, 2 bases deleted (GT; older notation c.126+1_126+2delGT).
Molecular consequence: splice donor variant.
Genome position (GRCh38, 1-based): chrX:20,234,756-20,234,757, AC deleted on the plus strand (GT on the coding strand, the reverse complement: RPS6KA3 is on the minus strand); deleting any 2 consecutive bases within chrX:20,234,756-20,234,758 gives the same sequence; the c. name uses the placement nearest the transcript's 3' end. VCF-style (leftmost placement, unchanged base first): chrX-20234755-TAC-T. GRCh37 (hg19) VCF-style: chrX-20252873-TAC-T.
Identifiers: ClinVar variation 1803484 (VCV001803484.1), dbSNP rs2519910438, ClinGen allele CA2580100445.